The following is an entry in ClinVar:

NM_004958.4(MTOR):c.1098G>A (p.Met366Ile)

Gene: MTOR (mechanistic target of rapamycin kinase; minus strand). Cytogenetic location: 1p36.22.
Variant type: single nucleotide variant.
Coding change: c.1098G>A on transcript NM_004958.4 (MANE Select); coding-DNA position 1098, G replaced by A.
Protein change: p.Met366Ile; replaces methionine 366 with isoleucine.
Molecular consequence: missense variant. On other transcripts: 5 prime UTR variant (1).
Genome position (GRCh38, 1-based): chr1:11,247,837, C>T on the plus strand (G>A on the coding strand, the complement: MTOR is on the minus strand). VCF-style: chr1-11247837-C-T. GRCh37 (hg19) VCF-style: chr1-11307894-C-T.
Other names: c.1098G>A, p.Met366Ile (NM_001386500.1); c.-42G>A (NM_001386501.1); short protein forms M366I.
Identifiers: ClinVar variation 3633504 (VCV003633504.2).

ClinVar aggregate classification (germline): Uncertain significance (1 of 4 stars; one submission).

gnomAD v4.1: 1 of 1,613,546 alleles (0.000062%); highest among the groups gnomAD compares: South Asian, 0.0011%; no homozygotes.

Submission:

Labcorp Genetics (formerly Invitae), Labcorp
Classification: Uncertain significance. Last evaluated: 2025-01-28. Review status: criteria provided, single submitter. Criteria: Invitae Variant Classification Sherloc (09022015). Collection method: clinical testing. Allele origin: germline.
Comment: This sequence change replaces methionine, which is neutral and non-polar, with isoleucine, which is neutral and non-polar, at codon 366 of the MTOR protein (p.Met366Ile). This variant is present in population databases (rs755489314, gnomAD 0.003%). This variant has not been reported in the literature in individuals affected with MTOR-related conditions. Invitae Evidence Modeling of protein sequence and biophysical properties (such as structural, functional, and spatial information, amino acid conservation, physicochemical variation, residue mobility, and thermodynamic stability) indicates that this missense variant is not expected to disrupt MTOR protein function with a negative predictive value of 95%. In summary, the available evidence is currently insufficient to determine the role of this variant in disease. Therefore, it has been classified as a Variant of Uncertain Significance.